The following is an entry in ClinVar:

ClinVar aggregate classification (germline): Conflicting classifications of pathogenicity. Review status: criteria provided, conflicting classifications (1 of 4 stars). 3 submissions from 3 submitters: Uncertain significance (1); Likely benign (2). Last evaluated 2026-02-01.

Conditions:
Thrombophilia due to protein C deficiency, autosomal dominant. Also called: PROC DEFICIENCY, AUTOSOMAL DOMINANT; PROTEIN C DEFICIENCY, AUTOSOMAL DOMINANT. Identifiers: Orphanet 745, MedGen C2674321, MONDO:0008316, OMIM 176860. Disease mechanism: loss of function.

Allele frequency attached by ClinVar (database versions not stated): gnomAD below 0.00001 and 0.00001; TOPMed below 0.00001; gnomAD exomes 0.00002 and 0.00004; ExAC 0.00003.
gnomAD v4.1: 34 of 1,613,710 alleles (0.0021%); highest among the groups gnomAD compares: Middle Eastern, 0.033%; no homozygotes.

Submissions (3):

CeGaT Center for Human Genetics Tuebingen
Classification: Likely benign. Last evaluated: 2026-02-01. Review status: criteria provided, single submitter. Criteria: CeGaT Center For Human Genetics Tuebingen Variant Classification Criteria Version 2. Collection method: clinical testing. Allele origin: germline. Affected: yes. Observed: 1 variant allele.
Comment: PROC: BP4, BP7

Labcorp Genetics (formerly Invitae), Labcorp
Classification: Likely benign for Thrombophilia due to protein C deficiency, autosomal dominant. Last evaluated: 2025-05-15. Review status: criteria provided, single submitter. Criteria: Invitae Variant Classification Sherloc (09022015). Collection method: clinical testing. Allele origin: germline.

Illumina Laboratory Services, Illumina
Classification: Uncertain significance for Thrombophilia due to protein C deficiency, autosomal dominant. Last evaluated: 2017-04-28. Review status: criteria provided, single submitter. Criteria: ICSL Variant Classification Criteria 13 December 2019. Collection method: clinical testing. Allele origin: germline.

NM_000312.4(PROC):c.723G>T (p.Val241=)

Gene: PROC (protein C, inactivator of coagulation factors Va and VIIIa; plus strand). Cytogenetic location: 2q14.3.
Variant type: single nucleotide variant.
Coding change: c.723G>T on transcript NM_000312.4 (MANE Select); coding-DNA position 723, G replaced by T.
Protein change: p.Val241=; no amino-acid change (valine 241 retained).
Molecular consequence: synonymous variant.
Genome position (GRCh38, 1-based): chr2:127,427,149, G>T. VCF-style: chr2-127427149-G-T. GRCh37 (hg19) VCF-style: chr2-128184725-G-T.
Other names: c.906G>T, p.Val302= (NM_001375602.1); c.888G>T, p.Val296= (NM_001375603.1); c.786G>T, p.Val262= (NM_001375604.1); c.825G>T, p.Val275= (NM_001375605.1); c.891G>T, p.Val297= (NM_001375606.1); c.909G>T, p.Val303= (NM_001375607.1); c.666G>T, p.Val222= (NM_001375608.1); c.699G>T, p.Val233= (NM_001375609.1); and 2 more.
Identifiers: ClinVar variation 893646 (VCV000893646.9), dbSNP rs771095734, ClinGen allele CA1859432.
Genomic context (GRCh38, chr2:127,427,149, plus strand): 5'-TCCCACCCCATTCCAGGTGGTCCTGCTGGACTCAAAGAAGAAGCTGGCCTGCGGGGCAGT[G>T]CTCATCCACCCCTCCTGGGTGCTGACAGCGGCCCACTGCATGGATGAGTCCAAGAAGCTC-3'
Protein context (NP_000303.1, residues 231-251): DSKKKLACGA[Val241=]LIHPSWVLTA